The following is an entry in ClinVar:

ClinVar aggregate classification (germline): Uncertain significance (1 of 4 stars; one submission).

Submission:

Labcorp Genetics (formerly Invitae), Labcorp
Classification: Uncertain significance. Last evaluated: 2024-08-21. Review status: criteria provided, single submitter. Criteria: Invitae Variant Classification Sherloc (09022015). Collection method: clinical testing. Allele origin: germline.
Comment: This sequence change replaces cysteine, which is neutral and slightly polar, with phenylalanine, which is neutral and non-polar, at codon 341 of the FBLN5 protein (p.Cys341Phe). This variant is not present in population databases (gnomAD no frequency). This variant has not been reported in the literature in individuals affected with FBLN5-related conditions. Invitae Evidence Modeling of protein sequence and biophysical properties (such as structural, functional, and spatial information, amino acid conservation, physicochemical variation, residue mobility, and thermodynamic stability) indicates that this missense variant is expected to disrupt FBLN5 protein function with a positive predictive value of 80%. In summary, the available evidence is currently insufficient to determine the role of this variant in disease. Therefore, it has been classified as a Variant of Uncertain Significance.

NM_006329.4(FBLN5):c.1022G>T (p.Cys341Phe)

Gene: FBLN5 (fibulin 5; minus strand). Cytogenetic location: 14q32.12.
Variant type: single nucleotide variant.
Coding change: c.1022G>T on transcript NM_006329.4 (MANE Select); coding-DNA position 1022, G replaced by T.
Protein change: p.Cys341Phe; replaces cysteine 341 with phenylalanine.
Molecular consequence: missense variant.
Genome position (GRCh38, 1-based): chr14:91,877,650, C>A on the plus strand (G>T on the coding strand, the complement: FBLN5 is on the minus strand). VCF-style: chr14-91877650-C-A. GRCh37 (hg19) VCF-style: chr14-92343994-C-A.
Other names: c.1145G>T, p.Cys382Phe (NM_001384158.1); c.1073G>T, p.Cys358Phe (NM_001384159.1); c.1022G>T, p.Cys341Phe (NM_001384160.1); c.854G>T, p.Cys285Phe (NM_001384161.1, NM_001384162.1); short protein forms C358F, C285F, C341F, C382F.
Identifiers: ClinVar variation 3663198 (VCV003663198.2).